The following is an entry in ClinVar:

NM_005257.6(GATA6):c.518C>T (p.Ala173Val)

Gene: GATA6 (GATA binding protein 6; plus strand). Cytogenetic location: 18q11.2.
Variant type: single nucleotide variant.
Coding change: c.518C>T on transcript NM_005257.6 (MANE Select); coding-DNA position 518, C replaced by T.
Protein change: p.Ala173Val; replaces alanine 173 with valine.
Molecular consequence: missense variant.
Genome position (GRCh38, 1-based): chr18:22,171,662, C>T. VCF-style: chr18-22171662-C-T. GRCh37 (hg19) VCF-style: chr18-19751623-C-T.
Other names: short protein forms A173V.
Identifiers: ClinVar variation 3646163 (VCV003646163.2).
Genomic context (GRCh38, chr18:22,171,662, plus strand): 5'-CTCTCTCCAGCCAGGGTCCGGCCGCCTACGACGGCGCGCCCGGCGGCTTCGTGCACTCTG[C>T]GGCCGCGGCGGCAGCAGCCGCGGCGGCGGCCAGCTCCCCGGTCTACGTGCCCACCACCCG-3'
Protein context (NP_005248.2, residues 163-183): DGAPGGFVHS[Ala173Val]AAAAAAAAAA

ClinVar aggregate classification (germline): Uncertain significance (1 of 4 stars; one submission).

Conditions:
Atrioventricular septal defect 5 (AVSD5). Identifiers: MedGen C3280939, MONDO:0013769, OMIM 614474.

gnomAD v4.1: 3 of 1,522,314 alleles (0.0002%); highest among the groups gnomAD compares: South Asian, 0.0012%; no homozygotes.

Submission:

Labcorp Genetics (formerly Invitae), Labcorp
Classification: Uncertain significance for Atrioventricular septal defect 5. Last evaluated: 2024-12-03. Review status: criteria provided, single submitter. Criteria: Invitae Variant Classification Sherloc (09022015). Collection method: clinical testing. Allele origin: germline.
Comment: This sequence change replaces alanine, which is neutral and non-polar, with valine, which is neutral and non-polar, at codon 173 of the GATA6 protein (p.Ala173Val). The frequency data for this variant in the population databases is considered unreliable, as metrics indicate poor data quality at this position in the gnomAD database. This variant has not been reported in the literature in individuals affected with GATA6-related conditions. Invitae Evidence Modeling of protein sequence and biophysical properties (such as structural, functional, and spatial information, amino acid conservation, physicochemical variation, residue mobility, and thermodynamic stability) indicates that this missense variant is not expected to disrupt GATA6 protein function with a negative predictive value of 80%. In summary, the available evidence is currently insufficient to determine the role of this variant in disease. Therefore, it has been classified as a Variant of Uncertain Significance.